The following is an entry in ClinVar:

ClinVar aggregate classification (germline): Uncertain significance (1 of 4 stars; one submission).

Allele frequency attached by ClinVar (database versions not stated): ExAC 0.00001; gnomAD exomes 0.00001; TOPMed 0.00002; gnomAD 0.00003.

Submission:

Labcorp Genetics (formerly Invitae), Labcorp
Classification: Uncertain significance. Last evaluated: 2022-11-22. Review status: criteria provided, single submitter. Criteria: Invitae Variant Classification Sherloc (09022015). Collection method: clinical testing. Allele origin: germline.
Comment: This sequence change replaces glutamic acid, which is acidic and polar, with lysine, which is basic and polar, at codon 157 of the WNT3A protein (p.Glu157Lys). In summary, the available evidence is currently insufficient to determine the role of this variant in disease. Therefore, it has been classified as a Variant of Uncertain Significance. Advanced modeling of protein sequence and biophysical properties (such as structural, functional, and spatial information, amino acid conservation, physicochemical variation, residue mobility, and thermodynamic stability) performed at Invitae indicates that this missense variant is not expected to disrupt WNT3A protein function. This variant has not been reported in the literature in individuals affected with WNT3A-related conditions. This variant is present in population databases (rs778326387, gnomAD 0.008%).

NM_033131.4(WNT3A):c.469G>A (p.Glu157Lys)

Gene: WNT3A (Wnt family member 3A; plus strand). Cytogenetic location: 1q42.13.
Variant type: single nucleotide variant.
Coding change: c.469G>A on transcript NM_033131.4 (MANE Select); coding-DNA position 469, G replaced by A.
Protein change: p.Glu157Lys; replaces glutamic acid 157 with lysine.
Molecular consequence: missense variant.
Genome position (GRCh38, 1-based): chr1:228,050,811, G>A. VCF-style: chr1-228050811-G-A. GRCh37 (hg19) VCF-style: chr1-228238512-G-A.
Other names: short protein forms E157K.
Identifiers: ClinVar variation 1941354 (VCV001941354.5), dbSNP rs778326387, ClinGen allele CA1429463.